The following is an entry in ClinVar:

NM_001292063.2(OTOG):c.2561+9C>T

Gene: OTOG (otogelin; plus strand). Cytogenetic location: 11p15.1.
Variant type: single nucleotide variant.
Coding change: c.2561+9C>T on transcript NM_001292063.2 (MANE Select); 9 bases into the intron after coding-DNA position 2561, C replaced by T.
Molecular consequence: intron variant.
Genome position (GRCh38, 1-based): chr11:17,576,639, C>T. VCF-style: chr11-17576639-C-T. GRCh37 (hg19) VCF-style: chr11-17598186-C-T.
Other names: c.2597+9C>T (NM_001277269.2).
Identifiers: ClinVar variation 227770 (VCV000227770.15), dbSNP rs528157125, ClinGen allele CA5905636.

ClinVar aggregate classification (germline): Likely benign. Review status: criteria provided, multiple submitters, no conflicts (2 of 4 stars). 3 submissions from 3 submitters: Likely benign (3). Last evaluated 2025-06-11.

Allele frequency attached by ClinVar (database versions not stated): gnomAD exomes 0.00023; ExAC 0.00024; 1000 Genomes Project 30x 0.00109; gnomAD 0.00112 and 0.00119; 1000 Genomes Project 0.00120; TOPMed 0.00124.
gnomAD v4.1: 330 of 1,545,352 alleles (0.021%); highest among the groups gnomAD compares: African/African-American, 0.38%; 1 homozygote.

Submissions (3):

Labcorp Genetics (formerly Invitae), Labcorp
Classification: Likely benign. Last evaluated: 2025-06-11. Review status: criteria provided, single submitter. Criteria: Invitae Variant Classification Sherloc (09022015). Collection method: clinical testing. Allele origin: germline.

Blueprint Genetics
Classification: Likely benign. Last evaluated: 2024-09-02. Review status: criteria provided, single submitter. Criteria: ACMG Guidelines, 2015. Collection method: clinical testing. Allele origin: germline.

Laboratory for Molecular Medicine, Mass General Brigham Personalized Medicine
Classification: Likely benign. Last evaluated: 2015-07-16. Review status: criteria provided, single submitter. Criteria: LMM Criteria. Collection method: clinical testing. Allele origin: germline. Observed: 1 variant allele.
Comment: c.2597+9C>T in intron 20 of OTOG: This variant is not expected to have clinical significance because it is not located within the conserved splice consensus seq uence. It has been identified in 0.2% (2/914) of African chromosomes by the Exom e Aggregation Consortium (ExAC; dbSNP rs52815712 5).